The following is an entry in ClinVar:

ClinVar aggregate classification (germline): Benign (1 of 4 stars; one submission).

Allele frequency attached by ClinVar (database versions not stated): 1000 Genomes Project 30x 0.54653; 1000 Genomes Project 0.53594; gnomAD 0.56747; TOPMed 0.56668.
gnomAD v4.1: 86,054 of 151,848 alleles (57%); highest among the groups gnomAD compares: Middle Eastern, 64%; 24,524 homozygotes.

Submission:

GeneDx
Classification: Benign. Last evaluated: 2018-06-14. Review status: criteria provided, single submitter. Criteria: GeneDx Variant Classification (06012015). Collection method: clinical testing. Allele origin: germline. Affected: yes.
Comment: This variant is considered likely benign or benign based on one or more of the following criteria: it is a conservative change, it occurs at a poorly conserved position in the protein, it is predicted to be benign by multiple in silico algorithms, and/or has population frequency not consistent with disease.

NM_000053.4(ATP7B):c.3243+290G>A

Gene: ATP7B (ATPase copper transporting beta; minus strand). Cytogenetic location: 13q14.3.
Variant type: single nucleotide variant.
Coding change: c.3243+290G>A on transcript NM_000053.4 (MANE Select); 290 bases into the intron after coding-DNA position 3243, G replaced by A.
Molecular consequence: intron variant.
Genome position (GRCh38, 1-based): chr13:51,943,819, C>T on the plus strand (G>A on the coding strand, the complement: ATP7B is on the minus strand). VCF-style: chr13-51943819-C-T. GRCh37 (hg19) VCF-style: chr13-52517955-C-T.
Other names: c.2910+290G>A (NM_001243182.2); c.2622+290G>A (NM_001005918.3); c.2991+290G>A (NM_001330579.2); c.3009+290G>A (NM_001330578.2).
Identifiers: ClinVar variation 680484 (VCV000680484.1), dbSNP rs4943044, ClinGen allele CA13789259.